The following is an entry in ClinVar:

ClinVar aggregate classification (germline): Pathogenic/Likely pathogenic. Review status: criteria provided, multiple submitters, no conflicts (2 of 4 stars). 2 submissions from 2 submitters: Pathogenic (1); Likely pathogenic (1). Last evaluated 2024-10-09.

Conditions:
Glucose-6-phosphate transport defect (GSD1B). Also called: Glycogen Storage Disease Type Ib; GSD Ib. Identifiers: Orphanet 364, Orphanet 79259, MedGen C0268146, MONDO:0009288, OMIM 232220.

Allele frequency attached by ClinVar (database versions not stated): gnomAD exomes below 0.00001.

Submissions (2):

Labcorp Genetics (formerly Invitae), Labcorp
Classification: Pathogenic for Glucose-6-phosphate transport defect. Last evaluated: 2024-10-09. Review status: criteria provided, single submitter. Criteria: Invitae Variant Classification Sherloc (09022015). Collection method: clinical testing. Allele origin: germline.
Comment: This sequence change creates a premature translational stop signal (p.Ser392Ilefs*11) in the SLC37A4 gene. While this is not anticipated to result in nonsense mediated decay, it is expected to disrupt the last 38 amino acid(s) of the SLC37A4 protein. This variant is not present in population databases (gnomAD no frequency). This premature translational stop signal has been observed in individual(s) with glycogen storage disease (PMID: 33977030). Algorithms developed to predict the effect of sequence changes on RNA splicing suggest that this variant may disrupt the consensus splice site. This variant disrupts a region of the SLC37A4 protein in which other variant(s) (p.Arg415*) have been determined to be pathogenic (PMID: 10482962, 10931421, 15059622; 21575371)). This suggests that this is a clinically significant region of the protein, and that variants that disrupt it are likely to be disease-causing. For these reasons, this variant has been classified as Pathogenic.

GeneDx
Classification: Likely pathogenic. Last evaluated: 2023-08-01. Review status: criteria provided, single submitter. Criteria: GeneDx Variant Classification Process June 2021. Collection method: clinical testing. Allele origin: germline. Affected: yes.
Comment: Frameshift variant predicted to result in protein truncation, as the last 38 amino acids are replaced with 10 different amino acids, and other loss-of-function variants have been reported downstream in HGMD; Not observed at significant frequency in large population cohorts (gnomAD); This variant is associated with the following publications: (PMID: 33977030, 35620924, 35433171)

Literature cited by the submitters: PubMed 33977030 (cited by Labcorp Genetics (formerly Invitae), Labcorp); PubMed 10482962 (cited by Labcorp Genetics (formerly Invitae), Labcorp); PubMed 10931421 (cited by Labcorp Genetics (formerly Invitae), Labcorp); PubMed 15059622 (cited by Labcorp Genetics (formerly Invitae), Labcorp); PubMed 21575371 (cited by Labcorp Genetics (formerly Invitae), Labcorp).

NM_001164277.2(SLC37A4):c.1175del (p.Ser392fs)

Gene: SLC37A4 (solute carrier family 37 member 4; minus strand). Cytogenetic location: 11q23.3.
Variant type: Deletion.
Coding change: c.1175del on transcript NM_001164277.2 (MANE Select); coding-DNA position 1175, one base deleted (G; older notation c.1175delG).
Protein change: p.Ser392fs; shifts the reading frame from serine 392.
Molecular consequence: frameshift variant.
Genome position (GRCh38, 1-based): chr11:119,025,025, C deleted on the plus strand (G on the coding strand, the reverse complement: SLC37A4 is on the minus strand). VCF-style (leftmost placement, unchanged base first): chr11-119025024-AC-A. GRCh37 (hg19) VCF-style: chr11-118895734-AC-A.
Other names: c.1241del, p.Ser414fs (NM_001164278.2); c.956del, p.Ser319fs (NM_001164279.2); c.1175del, p.Ser392fs (NM_001164280.2, NM_001467.6); c.1175del (NM_001164277.1); c.1175delG, p.Ser392Ilefs (NM_001164277.1); short protein forms S392fs, S414fs, S319fs.
Identifiers: ClinVar variation 2780238 (VCV002780238.4), dbSNP rs2497010200, ClinGen allele CA2575003140.
Genomic context (GRCh38, chr11:119,025,024, plus strand): 5'-GAAGAAGGCAGCCGTGCTGGCCGCACAAATCACTTCAGCCACCCAGAAGGCTGTGCTCCA[AC>A]TGTAGTGCTTGGCAATGGTGCTGAAGGGCAGCCCAGCCAGAAAGCCGCCCACTGTCAGGG-3'